The following is an entry in ClinVar:

ClinVar aggregate classification (germline): Benign (1 of 4 stars; one submission).

gnomAD v4.1: 189,452 of 1,608,016 alleles (12%); highest among the groups gnomAD compares: Middle Eastern, 16%; 12,044 homozygotes.

Submission:

CeGaT Center for Human Genetics Tuebingen
Classification: Benign. Last evaluated: 2025-01-01. Review status: criteria provided, single submitter. Criteria: CeGaT Center For Human Genetics Tuebingen Variant Classification Criteria Version 2. Collection method: clinical testing. Allele origin: germline. Affected: yes. Observed: 1 variant allele.
Comment: ROS1: BP4, BS1, BS2

NM_001378902.1(ROS1):c.5923-4A>G

Gene: ROS1 (ROS proto-oncogene 1, receptor tyrosine kinase; minus strand). Cytogenetic location: 6q22.1.
Variant type: single nucleotide variant.
Coding change: c.5923-4A>G on transcript NM_001378902.1 (MANE Select); 4 bases into the intron before coding-DNA position 5923, A replaced by G.
Molecular consequence: intron variant.
Genome position (GRCh38, 1-based): chr6:117,318,256, T>C on the plus strand (A>G on the coding strand, the complement: ROS1 is on the minus strand). VCF-style: chr6-117318256-T-C. GRCh37 (hg19) VCF-style: chr6-117639419-T-C.
Other names: c.5941-4A>G (NM_002944.3); c.5929-4A>G (NM_001378891.1).
Identifiers: ClinVar variation 3770434 (VCV003770434.13).
Genomic context (GRCh38, chr6:117,318,256, plus strand): 5'-ATGTGCCTCCTTCAGGAATTCAATCTTCTCCTGGTCTGTGGAACCCTTCTTCAAAGTCTA[T>C]ACAACATAAAAACAAGTCAGGAATCAGTATAGCAGACATTTCTGTGAGCTCAGTGGGTTA-3'